The following is an entry in ClinVar:

ClinVar aggregate classification (germline): Uncertain significance (1 of 4 stars; one submission).

Conditions:
Hereditary cancer-predisposing syndrome. Also called: Neoplastic Syndromes, Hereditary; Tumor predisposition; Hereditary Cancer Syndrome; Hereditary neoplastic syndrome. Identifiers: Orphanet 140162, MedGen C0027672, MeSH D009386, MONDO:0015356.

Submission:

Ambry Genetics
Classification: Uncertain significance for Hereditary cancer-predisposing syndrome. Last evaluated: 2025-06-26. Review status: criteria provided, single submitter. Criteria: Ambry Variant Classification Scheme 2023. Collection method: clinical testing. Allele origin: germline.
Comment: The p.C88W variant (also known as c.264C>G), located in coding exon 3 of the SDHD gene, results from a C to G substitution at nucleotide position 264. The cysteine at codon 88 is replaced by tryptophan, an amino acid with highly dissimilar properties. This amino acid position is conserved. In addition, the in silico prediction for this alteration is inconclusive. Based on the available evidence, the clinical significance of this variant remains unclear.

NM_003002.4(SDHD):c.264C>G (p.Cys88Trp)

Gene: SDHD (succinate dehydrogenase complex subunit D; plus strand). Cytogenetic location: 11q23.1.
Variant type: single nucleotide variant.
Coding change: c.264C>G on transcript NM_003002.4 (MANE Select); coding-DNA position 264, C replaced by G.
Protein change: p.Cys88Trp; replaces cysteine 88 with tryptophan.
Molecular consequence: missense variant. On other transcripts: non-coding transcript variant (1), intron variant (1).
Genome position (GRCh38, 1-based): chr11:112,088,961, C>G. VCF-style: chr11-112088961-C-G. GRCh37 (hg19) VCF-style: chr11-111959685-C-G.
Other names: c.147C>G, p.Cys49Trp (NM_001276504.2); c.264C>G, p.Cys88Trp (NM_001276506.2); c.169+988C>G (NM_001276503.2); short protein forms C88W, C49W.
Identifiers: ClinVar variation 4161272 (VCV004161272.1).